The following is an entry in ClinVar:

NM_052867.4(NALCN):c.3782T>C (p.Ile1261Thr)

Gene: NALCN (sodium leak channel, non-selective; minus strand). Cytogenetic location: 13q32.3.
Variant type: single nucleotide variant.
Coding change: c.3782T>C on transcript NM_052867.4 (MANE Select); coding-DNA position 3782, T replaced by C.
Protein change: p.Ile1261Thr; replaces isoleucine 1261 with threonine.
Molecular consequence: missense variant.
Genome position (GRCh38, 1-based): chr13:101,081,630, A>G on the plus strand (T>C on the coding strand, the complement: NALCN is on the minus strand). VCF-style: chr13-101081630-A-G. GRCh37 (hg19) VCF-style: chr13-101733981-A-G.
Other names: c.3869T>C, p.Ile1290Thr (NM_001350748.2); c.3782T>C, p.Ile1261Thr (NM_001350749.2); c.3695T>C, p.Ile1232Thr (NM_001350750.2, NM_001350751.2); short protein forms I1232T, I1261T, I1290T.
Identifiers: ClinVar variation 4860726 (VCV004860726.1).
Genomic context (GRCh38, chr13:101,081,630, plus strand): 5'-GTCACCAGGAGATCGTATCGGTTTCTTCTGCTTTGCCAGAAGCCAGCAGGCGACATTGCT[A>G]TGATCTTCATGGTAACCTGGAGAAAAAGCAAAGAAGAAAATAAACAGAGAGAGTGTTTAG-3'
Protein context (NP_443099.1, residues 1251-1271): IFVLEVTMKI[Ile1261Thr]AMSPAGFWQS

ClinVar aggregate classification (germline): Uncertain significance (1 of 4 stars; one submission).

Conditions:
Inborn genetic diseases. Identifiers: MedGen C0950123, MeSH D030342.

gnomAD v4.1: 11 of 1,614,168 alleles (0.00068%); highest among the groups gnomAD compares: Middle Eastern, 0.033%; no homozygotes.

Submission:

Ambry Genetics
Classification: Uncertain significance for Inborn genetic diseases. Last evaluated: 2026-05-05. Review status: criteria provided, single submitter. Criteria: Ambry Variant Classification Scheme 2023. Collection method: clinical testing. Allele origin: germline.
Comment: The c.3782T>C (p.I1261T) alteration is located in exon 34 (coding exon 33) of the NALCN gene. This alteration results from a T to C substitution at nucleotide position 3782, causing the isoleucine (I) at amino acid position 1261 to be replaced by a threonine (T). Based on data from gnomAD, the C allele has an overall frequency of 0.001% (2/251034) total alleles studied. The highest observed frequency was 0.006% (2/34570) of Latino alleles. Based on insufficient or conflicting evidence, the clinical significance of this alteration remains unclear.